The following is an entry in ClinVar:

ClinVar aggregate classification (germline): Uncertain significance (1 of 4 stars; one submission).

Conditions:
Familial cancer of breast. Also called: Hereditary breast cancer; BREAST CANCER, FAMILIAL; hereditary breast carcinoma. Identifiers: Orphanet 227535, MedGen C0346153, MONDO:0016419, OMIM 114480. Disease mechanism: loss of function.
Fanconi anemia complementation group J. Also called: BRIP1-Related Fanconi Anemia. Identifiers: Orphanet 84, MedGen C1836860, MONDO:0012187, OMIM 609054.

Submission:

Labcorp Genetics (formerly Invitae), Labcorp
Classification: Uncertain significance for Familial cancer of breast; Fanconi anemia complementation group J. Last evaluated: 2024-07-25. Review status: criteria provided, single submitter. Criteria: Invitae Variant Classification Sherloc (09022015). Collection method: clinical testing. Allele origin: germline.
Comment: This sequence change replaces aspartic acid, which is acidic and polar, with valine, which is neutral and non-polar, at codon 563 of the BRIP1 protein (p.Asp563Val). This variant is not present in population databases (gnomAD no frequency). This variant has not been reported in the literature in individuals affected with BRIP1-related conditions. ClinVar contains an entry for this variant (Variation ID: 662895). Advanced modeling of protein sequence and biophysical properties (such as structural, functional, and spatial information, amino acid conservation, physicochemical variation, residue mobility, and thermodynamic stability) performed at Invitae indicates that this missense variant is not expected to disrupt BRIP1 protein function with a negative predictive value of 80%. In summary, the available evidence is currently insufficient to determine the role of this variant in disease. Therefore, it has been classified as a Variant of Uncertain Significance.

NM_032043.3(BRIP1):c.1688A>T (p.Asp563Val)

Gene: BRIP1 (BRCA1 interacting DNA helicase 1; minus strand). Cytogenetic location: 17q23.2.
Variant type: single nucleotide variant.
Coding change: c.1688A>T on transcript NM_032043.3 (MANE Select); coding-DNA position 1688, A replaced by T.
Protein change: p.Asp563Val; replaces aspartic acid 563 with valine.
Molecular consequence: missense variant.
Genome position (GRCh38, 1-based): chr17:61,780,946, T>A on the plus strand (A>T on the coding strand, the complement: BRIP1 is on the minus strand). VCF-style: chr17-61780946-T-A. GRCh37 (hg19) VCF-style: chr17-59858307-T-A.
Other names: short protein forms D563V.
Identifiers: ClinVar variation 662895 (VCV000662895.9), dbSNP rs577768294, ClinGen allele CA400480461.